The following is an entry in ClinVar:

ClinVar aggregate classification (germline): Benign (1 of 4 stars; one submission).

Conditions:
Ceroid lipofuscinosis, neuronal, 4 (Kufs type) (CLN4). Also called: Neuronal ceroid lipofuscinosis 4B; Ceroid lipofuscinosis, neuronal, 4, Parry type. Identifiers: Orphanet 228343, Orphanet 79262, MedGen C1834207, MONDO:0008083, OMIM 162350.

Allele frequency attached by ClinVar (database versions not stated): gnomAD 0.00102 and 0.00108; TOPMed 0.00122; 1000 Genomes Project 30x 0.00172; 1000 Genomes Project 0.00180.

Submission:

Illumina Laboratory Services, Illumina
Classification: Benign for Ceroid lipofuscinosis, neuronal, 4 (Kufs type). Last evaluated: 2018-01-12. Review status: criteria provided, single submitter. Criteria: ICSL Variant Classification Criteria 13 December 2019. Collection method: clinical testing. Allele origin: germline.
Comment: This variant was observed in the ICSL laboratory as part of a predisposition screen in an ostensibly healthy population. It had not been previously curated by ICSL or reported in the Human Gene Mutation Database (HGMD: prior to June 1st, 2018), and was therefore a candidate for classification through an automated scoring system. Utilizing variant allele frequency, disease prevalence and penetrance estimates, and inheritance mode, an automated score was calculated to assess if this variant is too frequent to cause the disease. Based on the score and internal cut-off values, a variant classified as benign is not then subjected to further curation. The score for this variant resulted in a classification of benign for this disease.

NM_025219.3(DNAJC5):c.*1556A>G

Gene: DNAJC5 (DnaJ heat shock protein family (Hsp40) member C5; plus strand). Cytogenetic location: 20q13.33.
Variant type: single nucleotide variant.
Coding change: c.*1556A>G on transcript NM_025219.3 (MANE Select); 1556 bases downstream of the stop codon, A replaced by G.
Molecular consequence: 3 prime UTR variant.
Genome position (GRCh38, 1-based): chr20:63,933,124, A>G. VCF-style: chr20-63933124-A-G. GRCh37 (hg19) VCF-style: chr20-62564477-A-G.
Identifiers: ClinVar variation 339394 (VCV000339394.6), dbSNP rs58526294, ClinGen allele CA10650229.
Genomic context (GRCh38, chr20:63,933,124, plus strand): 5'-GCCTGGTTTCTGCAGAATGTCCATGGTGGCCGCTGCAGAGTTGCAGAGGTCCCTGTAGAG[A>G]TAAAGCTGAGGAGGAGGCTGTGTGTGATGGCTCTGGCTCGGACCAACCAGATGAGCCTCC-3'